The following is an entry in ClinVar:

ClinVar aggregate classification (germline): Uncertain significance (1 of 4 stars; one submission).

Allele frequency attached by ClinVar (database versions not stated): gnomAD exomes below 0.00001.
gnomAD v4.1: 2 of 1,614,104 alleles (0.00012%); highest among the groups gnomAD compares: Non-Finnish European, 0.00017%; no homozygotes.

Submission:

Labcorp Genetics (formerly Invitae), Labcorp
Classification: Uncertain significance. Last evaluated: 2023-12-06. Review status: criteria provided, single submitter. Criteria: Invitae Variant Classification Sherloc (09022015). Collection method: clinical testing. Allele origin: germline.
Comment: This sequence change replaces proline, which is neutral and non-polar, with serine, which is neutral and polar, at codon 866 of the SPECC1L protein (p.Pro866Ser). This variant is not present in population databases (gnomAD no frequency). This variant has not been reported in the literature in individuals affected with SPECC1L-related conditions. ClinVar contains an entry for this variant (Variation ID: 2106594). An algorithm developed to predict the effect of missense changes on protein structure and function (PolyPhen-2) suggests that this variant is likely to be disruptive. In summary, the available evidence is currently insufficient to determine the role of this variant in disease. Therefore, it has been classified as a Variant of Uncertain Significance.

NM_015330.6(SPECC1L):c.2596C>T (p.Pro866Ser)

Genes: SPECC1L (sperm antigen with calponin homology and coiled-coil domains 1 like; plus strand), SPECC1L-ADORA2A (SPECC1L-ADORA2A readthrough (NMD candidate); plus strand). Cytogenetic location: 22q11.23.
Variant type: single nucleotide variant.
Coding change: c.2596C>T on transcript NM_015330.6 (MANE Select); coding-DNA position 2596, C replaced by T.
Protein change: p.Pro866Ser; replaces proline 866 with serine.
Molecular consequence: missense variant. On other transcripts: non-coding transcript variant (1).
Genome position (GRCh38, 1-based): chr22:24,338,421, C>T. VCF-style: chr22-24338421-C-T. GRCh37 (hg19) VCF-style: chr22-24734389-C-T.
Other names: c.2596C>T, p.Pro866Ser (NM_001145468.4, NM_001254732.3); short protein forms P866S.
Identifiers: ClinVar variation 2106594 (VCV002106594.4), dbSNP rs2517682829, ClinGen allele CA410955078.